The following is an entry in ClinVar:

ClinVar aggregate classification (germline): Uncertain significance. Review status: criteria provided, multiple submitters, no conflicts (2 of 4 stars). 2 submissions from 2 submitters: Uncertain significance (2). Last evaluated 2025-10-26.

Conditions:
Hereditary cancer-predisposing syndrome. Also called: Tumor predisposition; Neoplastic Syndromes, Hereditary; Hereditary Cancer Syndrome; Hereditary neoplastic syndrome. Identifiers: Orphanet 140162, MedGen C0027672, MeSH D009386, MONDO:0015356.
Microcephaly, normal intelligence and immunodeficiency (NBS). Also called: IMMUNODEFICIENCY, MICROCEPHALY, AND CHROMOSOMAL INSTABILITY; SEEMANOVA SYNDROME II; Nijmegen breakage syndrome; Microcephaly with normal intelligence immunodeficiency and lymphoreticular malignancies; Nonsyndromal microcephaly autosomal recessive with normal intelligence; Seemanova syndrome 2. Identifiers: Orphanet 647, MedGen C0398791, MONDO:0009623, OMIM 251260.

Allele frequency attached by ClinVar (database versions not stated): gnomAD exomes below 0.00001.

Submissions (2):

Ambry Genetics
Classification: Uncertain significance for Hereditary cancer-predisposing syndrome. Last evaluated: 2025-10-26. Review status: criteria provided, single submitter. Criteria: Ambry Variant Classification Scheme 2023. Collection method: clinical testing. Allele origin: germline.
Comment: The p.C323R variant (also known as c.967T>C), located in coding exon 8 of the NBN gene, results from a T to C substitution at nucleotide position 967. The cysteine at codon 323 is replaced by arginine, an amino acid with highly dissimilar properties. This amino acid position is highly conserved in available vertebrate species. In addition, this alteration is predicted to be deleterious by in silico analysis. Since supporting evidence is limited at this time, the clinical significance of this alteration remains unclear.

Labcorp Genetics (formerly Invitae), Labcorp
Classification: Uncertain significance for Microcephaly, normal intelligence and immunodeficiency. Last evaluated: 2023-06-17. Review status: criteria provided, single submitter. Criteria: Invitae Variant Classification Sherloc (09022015). Collection method: clinical testing. Allele origin: germline.
Comment: This sequence change replaces cysteine, which is neutral and slightly polar, with arginine, which is basic and polar, at codon 323 of the NBN protein (p.Cys323Arg). This variant is not present in population databases (gnomAD no frequency). This variant has not been reported in the literature in individuals affected with NBN-related conditions. ClinVar contains an entry for this variant (Variation ID: 1767779). An algorithm developed to predict the effect of missense changes on protein structure and function (PolyPhen-2) suggests that this variant is likely to be disruptive. In summary, the available evidence is currently insufficient to determine the role of this variant in disease. Therefore, it has been classified as a Variant of Uncertain Significance.

NM_002485.5(NBN):c.967T>C (p.Cys323Arg)

Gene: NBN (nibrin; minus strand). Cytogenetic location: 8q21.3.
Variant type: single nucleotide variant.
Coding change: c.967T>C on transcript NM_002485.5 (MANE Select); coding-DNA position 967, T replaced by C.
Protein change: p.Cys323Arg; replaces cysteine 323 with arginine.
Molecular consequence: missense variant.
Genome position (GRCh38, 1-based): chr8:89,964,437, A>G on the plus strand (T>C on the coding strand, the complement: NBN is on the minus strand). VCF-style: chr8-89964437-A-G. GRCh37 (hg19) VCF-style: chr8-90976665-A-G.
Other names: c.721T>C, p.Cys241Arg (NM_001024688.3); short protein forms C241R, C323R.
Identifiers: ClinVar variation 1767779 (VCV001767779.6), dbSNP rs2488284265, ClinGen allele CA371656918.